The following is an entry in ClinVar:

NM_032119.4(ADGRV1):c.3493C>T (p.Pro1165Ser)

Gene: ADGRV1 (adhesion G protein-coupled receptor V1; plus strand). Cytogenetic location: 5q14.3.
Variant type: single nucleotide variant.
Coding change: c.3493C>T on transcript NM_032119.4 (MANE Select); coding-DNA position 3493, C replaced by T.
Protein change: p.Pro1165Ser; replaces proline 1165 with serine.
Molecular consequence: missense variant. On other transcripts: non-coding transcript variant (1).
Genome position (GRCh38, 1-based): chr5:90,652,422, C>T. VCF-style: chr5-90652422-C-T. GRCh37 (hg19) VCF-style: chr5-89948239-C-T.
Other names: short protein forms P1165S.
Identifiers: ClinVar variation 1993222 (VCV001993222.3), dbSNP rs2532075008, ClinGen allele CA360397513.

ClinVar aggregate classification (germline): Uncertain significance (1 of 4 stars; one submission).

Submission:

Labcorp Genetics (formerly Invitae), Labcorp
Classification: Uncertain significance. Last evaluated: 2024-10-16. Review status: criteria provided, single submitter. Criteria: Invitae Variant Classification Sherloc (09022015). Collection method: clinical testing. Allele origin: germline.
Comment: This sequence change replaces proline, which is neutral and non-polar, with serine, which is neutral and polar, at codon 1165 of the ADGRV1 protein (p.Pro1165Ser). This variant is not present in population databases (gnomAD no frequency). This variant has not been reported in the literature in individuals affected with ADGRV1-related conditions. ClinVar contains an entry for this variant (Variation ID: 1993222). Invitae Evidence Modeling of protein sequence and biophysical properties (such as structural, functional, and spatial information, amino acid conservation, physicochemical variation, residue mobility, and thermodynamic stability) indicates that this missense variant is not expected to disrupt ADGRV1 protein function with a negative predictive value of 95%. In summary, the available evidence is currently insufficient to determine the role of this variant in disease. Therefore, it has been classified as a Variant of Uncertain Significance.